The following is an entry in ClinVar:

ClinVar aggregate classification (germline): Uncertain significance. Review status: criteria provided, multiple submitters, no conflicts (2 of 4 stars). 4 submissions from 4 submitters: Uncertain significance (4). Last evaluated 2026-06-02.

Conditions:
ANKRD1-related disorder. Also called: ANKRD1-related condition.
Cardiovascular phenotype. Identifiers: MedGen CN230736.
ANKRD1-related dilated cardiomyopathy. Identifiers: MedGen CN119551.

Submissions (4):

PreventionGenetics, part of Exact Sciences
Classification: Uncertain significance for ANKRD1-related condition. Last evaluated: 2026-06-02. Review status: criteria provided, single submitter. Criteria: ACMG Guidelines, 2015. Collection method: clinical testing. Allele origin: germline.
Comment: The ANKRD1 c.194_196delAAC variant is predicted to result in an in-frame deletion (p.Gln65del). To our knowledge, this variant has not been reported in the literature. This variant is reported in 0.020% of alleles in individuals of African descent in gnomAD. At this time, the clinical significance of this variant is uncertain due to the absence of conclusive functional and genetic evidence.

Labcorp Genetics (formerly Invitae), Labcorp
Classification: Uncertain significance for ANKRD1-related dilated cardiomyopathy. Last evaluated: 2024-02-23. Review status: criteria provided, single submitter. Criteria: Invitae Variant Classification Sherloc (09022015). Collection method: clinical testing. Allele origin: germline.
Comment: This variant, c.194_196del, results in the deletion of 1 amino acid(s) of the ANKRD1 protein (p.Gln65del), but otherwise preserves the integrity of the reading frame. This variant is present in population databases (rs762660319, gnomAD 0.02%). This variant has not been reported in the literature in individuals affected with ANKRD1-related conditions. ClinVar contains an entry for this variant (Variation ID: 504033). Experimental studies and prediction algorithms are not available or were not evaluated, and the functional significance of this variant is currently unknown. In summary, the available evidence is currently insufficient to determine the role of this variant in disease. Therefore, it has been classified as a Variant of Uncertain Significance.

Ambry Genetics
Classification: Uncertain significance for Cardiovascular phenotype. Last evaluated: 2020-06-01. Review status: criteria provided, single submitter. Criteria: Ambry Variant Classification Scheme 2023. Collection method: clinical testing. Allele origin: germline.
Comment: The c.194_196delAAC variant (also known as p.Q65del) is located in coding exon 2 of the ANKRD1 gene. This variant results from an in-frame AAC deletion at nucleotide positions 194 to 196. This results in the in-frame deletion of a glutamine at codon 65. This amino acid position is not well conserved in available vertebrate species. In addition, this alteration is predicted to be inconclusive by in silico analysis (Choi Y et al. PLoS ONE. 2012; 7(10):e46688). Since supporting evidence is limited at this time, the clinical significance of this alteration remains unclear.

GeneDx
Classification: Uncertain significance. Last evaluated: 2017-12-29. Review status: criteria provided, single submitter. Criteria: GeneDx Variant Classification (06012015). Collection method: clinical testing. Allele origin: germline. Affected: yes.
Comment: The c.194_196delAAC variant in the ANKRD1 gene has not been reported previously as a pathogenic variant nor as a benign variant, to our knowledge. This variant causes an in-frame deletion of codon Glutamine 65, denoted p.Gln65del. The c.194_196delAAC variant is observed 5/24036 (0.028%) alleles from individuals of African background in large population cohorts (Lek et al., 2016). In-silico analyses, including protein predictors and evolutionary conservation, support that deletion of this amino acid does not alter protein structure/function. We interpret c.194_196delAAC as a variant of uncertain significance.

NM_014391.3(ANKRD1):c.191AAC[1] (p.Gln65del)

Gene: ANKRD1 (ankyrin repeat domain 1; minus strand). Cytogenetic location: 10q23.31.
Variant type: Microsatellite.
Coding change: c.191AAC[1] on transcript NM_014391.3 (MANE Select); one copy of the 3-base unit AAC starting at c.191; the reference has two copies in a row; one copy, 3 bases deleted.
Protein change: p.Gln65del; deletes glutamine 65.
Molecular consequence: inframe deletion.
Genome position (GRCh38, 1-based): chr10:90,920,180-90,920,182, GTT deleted on the plus strand (AAC on the coding strand, the reverse complement: ANKRD1 is on the minus strand); deleting any 3 consecutive bases within chr10:90,920,180-90,920,185 gives the same sequence; the position shown is the placement nearest the transcript's 3' end. VCF-style (leftmost placement, unchanged base first): chr10-90920179-CGTT-C. GRCh37 (hg19) VCF-style: chr10-92679936-CGTT-C.
Other names: c.194_196delAAC (NM_014391.2); short protein forms Q65del.
Identifiers: ClinVar variation 504033 (VCV000504033.11), dbSNP rs762660319, ClinGen allele CA5598822.